The following is an entry in ClinVar:

ClinVar aggregate classification (germline): Uncertain significance (1 of 4 stars; one submission).

Submission:

Ambry Genetics
Classification: Uncertain significance. Last evaluated: 2026-08-23. Review status: criteria provided, single submitter. Criteria: Ambry Variant Classification Scheme 2023. Collection method: clinical testing. Allele origin: germline.
Comment: The p.N1081S variant (also known as c.3242A>G), located in coding exon 12 of the CDK12 gene, results from an A to G substitution at nucleotide position 3242. The asparagine at codon 1081 is replaced by serine, an amino acid with highly similar properties. This amino acid position is conserved. In addition, this alteration is predicted to be tolerated by in silico analysis. Based on the available evidence, the clinical significance of this variant remains unclear.

NM_016507.4(CDK12):c.3242A>G (p.Asn1081Ser)

Gene: CDK12 (cyclin dependent kinase 12; plus strand). Cytogenetic location: 17q12.
Variant type: single nucleotide variant.
Coding change: c.3242A>G on transcript NM_016507.4 (MANE Select); coding-DNA position 3242, A replaced by G.
Protein change: p.Asn1081Ser; replaces asparagine 1081 with serine.
Molecular consequence: missense variant.
Genome position (GRCh38, 1-based): chr17:39,524,820, A>G. VCF-style: chr17-39524820-A-G. GRCh37 (hg19) VCF-style: chr17-37681073-A-G.
Other names: c.3242A>G, p.Asn1081Ser (NM_015083.4); short protein forms N1081S.
Identifiers: ClinVar variation 5034165 (VCV005034165.1).
Genomic context (GRCh38, chr17:39,524,820, plus strand): 5'-CTCCATCCAAAACTTCTCGAAAAGAAACTACCTCAGGGACAAGTACTGAGCCTGTGAAGA[A>G]CAGCAGCCCAGCACCACCTCAGCCTGCTCCTGGCAAGGTGGAGTCTGGGGCTGGGGATGC-3'
Protein context (NP_057591.2, residues 1071-1091): TSGTSTEPVK[Asn1081Ser]SSPAPPQPAP